The following is an entry in ClinVar:

ClinVar aggregate classification (germline): Pathogenic/Likely pathogenic. Review status: criteria provided, multiple submitters, no conflicts (2 of 4 stars). 2 submissions from 2 submitters: Pathogenic (1); Likely pathogenic (1). Last evaluated 2025-01-15.

Conditions:
Telangiectasia, hereditary hemorrhagic, type 2 (HHT2). Also called: Telangiectasia, hereditary hemorrhagic, type II; ACVRL1-Related Hereditary Hemorrhagic Telangiectasia. Identifiers: Orphanet 774, MedGen C1838163, MONDO:0010880, OMIM 600376. Disease mechanism: loss of function.

Submissions (2):

Labcorp Genetics (formerly Invitae), Labcorp
Classification: Pathogenic for Telangiectasia, hereditary hemorrhagic, type 2. Last evaluated: 2025-01-15. Review status: criteria provided, single submitter. Criteria: Invitae Variant Classification Sherloc (09022015). Collection method: clinical testing. Allele origin: germline.
Comment: This variant, c.1037_1039del, is a complex sequence change that results in the deletion of 2 and insertion of 1 amino acid(s) in the ACVRL1 protein (p.Ile346_Ala347delinsThr). This variant is not present in population databases (gnomAD no frequency). This variant has been observed in individual(s) with clinical features of hereditary hemorrhagic telangiectasia (PMID: 32573726; internal data). ClinVar contains an entry for this variant (Variation ID: 982444). This variant disrupts a region of the ACVRL1 protein in which other variant(s) (p.Ala347Pro) have been determined to be pathogenic (PMID: 15024723, 20501893). This suggests that this is a clinically significant region of the protein, and that variants that disrupt it are likely to be disease-causing. For these reasons, this variant has been classified as Pathogenic.

NIHR Bioresource Rare Diseases, University of Cambridge
Classification: Likely pathogenic for Telangiectasia, hereditary hemorrhagic, type 2. Last evaluated: 2018-01-01. Review status: criteria provided, single submitter. Criteria: ACMG Guidelines, 2015. Collection method: research. Allele origin: unknown. Affected: yes. Observed: 1 variant allele.
Comment: PM2+PM1+PP4

Literature cited by the submitters: PubMed 32573726 (cited by Labcorp Genetics (formerly Invitae), Labcorp and NIHR Bioresource Rare Diseases, University of Cambridge); PubMed 15024723 (cited by Labcorp Genetics (formerly Invitae), Labcorp); PubMed 20501893 (cited by Labcorp Genetics (formerly Invitae), Labcorp).

NM_000020.3(ACVRL1):c.1037_1039del (p.Ile346_Ala347delinsThr)

Gene: ACVRL1 (activin A receptor like type 1; plus strand). Cytogenetic location: 12q13.13.
Variant type: Deletion.
Coding change: c.1037_1039del on transcript NM_000020.3 (MANE Select); coding-DNA positions 1037 to 1039, 3 bases deleted (TCG; older notation c.1037_1039delTCG).
Protein change: p.Ile346_Ala347delinsThr.
Molecular consequence: inframe indel.
Genome position (GRCh38, 1-based): chr12:51,915,489-51,915,491, TCG deleted. VCF-style (leftmost placement, unchanged base first): chr12-51915488-ATCG-A. GRCh37 (hg19) VCF-style: chr12-52309272-ATCG-A.
Other names: c.1037_1039del, p.Ile346_Ala347delinsThr (NM_001077401.2).
Identifiers: ClinVar variation 982444 (VCV000982444.6), dbSNP rs1940813707, ClinGen allele CA1139662703.
Genomic context (GRCh38, chr12:51,915,488, plus strand): 5'-ATTGCCCACCGCGACTTCAAGAGCCGCAATGTGCTGGTCAAGAGCAACCTGCAGTGTTGC[ATCG>A]CCGACCTGGGTGAGCCGGGCGGGGCAGGGGCGCGCCCTTCACAGGTGGGCGGAGCTTGTG-3'